The following is an entry in ClinVar:

ClinVar aggregate classification (germline): Uncertain significance (1 of 4 stars; one submission).

Conditions:
Duchenne muscular dystrophy (DMD). Also called: MUSCULAR DYSTROPHY, PSEUDOHYPERTROPHIC PROGRESSIVE, DUCHENNE TYPE; Duchenne Muscular Dystrophy (DMD). Identifiers: Orphanet 98896, MedGen C0013264, MONDO:0010679, OMIM 310200.

Allele frequency attached by ClinVar (database versions not stated): gnomAD exomes 0.00001; TOPMed 0.00003.
gnomAD v4.1: 5 of 1,077,162 alleles (0.00046%); highest among the groups gnomAD compares: African/African-American, 0.0073%; no homozygotes.

Submission:

Labcorp Genetics (formerly Invitae), Labcorp
Classification: Uncertain significance for Duchenne muscular dystrophy. Last evaluated: 2024-09-29. Review status: criteria provided, single submitter. Criteria: Invitae Variant Classification Sherloc (09022015). Collection method: clinical testing. Allele origin: germline.
Comment: This sequence change falls in intron 23 of the DMD gene. It does not directly change the encoded amino acid sequence of the DMD protein. This variant is present in population databases (no rsID available, gnomAD 0.008%). This variant has not been reported in the literature in individuals affected with DMD-related conditions. ClinVar contains an entry for this variant (Variation ID: 1381827). Algorithms developed to predict the effect of sequence changes on RNA splicing suggest that this variant may create or strengthen a splice site. In summary, the available evidence is currently insufficient to determine the role of this variant in disease. Therefore, it has been classified as a Variant of Uncertain Significance.

NM_004006.3(DMD):c.3163-14G>A

Gene: DMD (dystrophin; minus strand). Cytogenetic location: Xp21.1.
Variant type: single nucleotide variant.
Coding change: c.3163-14G>A on transcript NM_004006.3 (MANE Select); 14 bases into the intron before coding-DNA position 3163, G replaced by A.
Molecular consequence: intron variant.
Genome position (GRCh38, 1-based): chrX:32,464,713, C>T on the plus strand (G>A on the coding strand, the complement: DMD is on the minus strand). VCF-style: chrX-32464713-C-T. GRCh37 (hg19) VCF-style: chrX-32482830-C-T.
Other names: c.3139-14G>A (NM_000109.4); c.3151-14G>A (NM_004009.3); c.2794-14G>A (NM_004010.3).
Identifiers: ClinVar variation 1381827 (VCV001381827.4), dbSNP rs1039281632, ClinGen allele CA328002498.